The following is an entry in ClinVar:

ClinVar aggregate classification (germline): Conflicting classifications of pathogenicity. Review status: criteria provided, conflicting classifications (1 of 4 stars). 5 submissions from 5 submitters: Likely pathogenic (2); Uncertain significance (2). 1 of the submissions does not count toward it. Last evaluated 2025-12-15.

Conditions:
GP1BA-related disorder. Also called: GP1BA-related condition.
GP1BA-related disorders.
Macrothrombocytopenia. Identifiers: MedGen C2751260, HP:0040185.

Submissions (5):

Mayo Clinic Laboratories, Mayo Clinic
Classification: Uncertain significance. Last evaluated: 2025-12-15. Review status: criteria provided, single submitter. Criteria: ACMG Guidelines, 2015. Collection method: clinical testing. Allele origin: germline. Observed: 1 variant allele.
Comment: PM2_supporting, PM5, PS3_moderate

Women's Health and Genetics/Laboratory Corporation of America, LabCorp
Classification: Uncertain significance. Last evaluated: 2023-07-27. Review status: criteria provided, single submitter. Criteria: LabCorp Variant Classification Summary - May 2015. Collection method: clinical testing. Allele origin: germline.
Comment: Variant summary: GP1BA c.171C>A (p.Asn57Lys) results in a non-conservative amino acid change in the encoded protein sequence. Three of five in-silico tools predict a damaging effect of the variant on protein function. The variant was absent in 249334 control chromosomes. The available data on variant occurrences in the general population are insufficient to allow any conclusion about variant significance. c.171C>A has been reported in the literature in individuals affected platelet disorder (Downes_2019). This report does not provide unequivocal conclusions about association of the variant with Bernard Soulier Syndrome. To our knowledge, no experimental evidence demonstrating an impact on protein function has been reported. The following publication have been ascertained in the context of this evaluation (PMID: 31064749). One submitter has cited clinical-significance assessments for this variant to ClinVar after 2014 and has classified the variant as likely pathogenic. Based on the evidence outlined above, the variant was classified as uncertain significance.

Blueprint Genetics
Classification: Likely pathogenic for GP1BA-related disorders. Last evaluated: 2019-12-04. Review status: criteria provided, single submitter. Criteria: ACMG Guidelines, 2015. Collection method: clinical testing. Allele origin: germline. Affected: yes. Observed: 1 variant allele.

NIHR Bioresource Rare Diseases, University of Cambridge
Classification: Likely pathogenic for Macrothrombocytopenia. Last evaluated: 2019-02-01. Review status: criteria provided, single submitter. Criteria: ACMG Guidelines, 2015. Collection method: research. Allele origin: unknown. Affected: yes. Observed: 1 heterozygote. Study: ThromboGenomics.

PreventionGenetics, part of Exact Sciences
Classification: Likely pathogenic for GP1BA-related condition. Last evaluated: 2024-01-05. Review status: no assertion criteria provided. Collection method: clinical testing. Allele origin: germline. Not counted in ClinVar's aggregate classification.
Comment: The GP1BA c.171C>A variant is predicted to result in the amino acid substitution p.Asn57Lys. This variant (aka p.Asn41Lys) has been reported in an individual that was part of a study cohort with platelet number abnormalities, primarily macrothrombocytopenia (Downes et al. 2019. PubMed ID: 31064749. Suppl3_SNV+INDEL). Amino acid residue p.Asn57 is highly conserved and resides in the functional luecine-rich repeat domain of the GP1BA protein. A different substitution of the same amino acid residue, defined as p.Asn57His (aka p.Asn41His) has been reported in association with autosomal dominant Bernard-Soulier syndrome (BSS) in several different families (Berndt and Andrews. 2011. PubMed ID: 21357716; Vettore et al. 2008. PubMed ID: 18815197). These data suggest that substitution of amino acid residue p.Asn57 is not tolerated. This variant has not been reported in a large population database, indicating this variant is rare. We interpret the p.Asn57Lys substitution found in this patient as likely pathogenic.

Literature cited by the submitters: PubMed 10727232 (cited by Mayo Clinic Laboratories, Mayo Clinic); PubMed 18815197 (cited by Mayo Clinic Laboratories, Mayo Clinic); PubMed 31064749 (cited by 3 submitters).

NM_000173.7(GP1BA):c.171C>A (p.Asn57Lys)

Gene: GP1BA (glycoprotein Ib platelet subunit alpha; plus strand). Cytogenetic location: 17p13.2.
Variant type: single nucleotide variant.
Coding change: c.171C>A on transcript NM_000173.7 (MANE Select); coding-DNA position 171, C replaced by A.
Protein change: p.Asn57Lys; replaces asparagine 57 with lysine.
Molecular consequence: missense variant.
Genome position (GRCh38, 1-based): chr17:4,932,775, C>A. VCF-style: chr17-4932775-C-A. GRCh37 (hg19) VCF-style: chr17-4836070-C-A.
Other names: p.Asn57Lys; c.171C>A (NM_000173.6); short protein forms N57K.
Identifiers: ClinVar variation 627016 (VCV000627016.7), dbSNP rs1597638398, ClinGen allele CA397314846.